The following is an entry in ClinVar:

ClinVar aggregate classification (germline): Likely benign. Review status: criteria provided, single submitter (1 of 4 stars). 2 submissions from 2 submitters: Likely benign (1). 1 of the submissions does not count toward it. Last evaluated 2024-11-25.

Conditions:
DNAH17-related disorder. Also called: DNAH17-related condition.

Allele frequency attached by ClinVar (database versions not stated): 1000 Genomes Project 0.00160; 1000 Genomes Project 30x 0.00187; ExAC 0.00256; TOPMed 0.00283; gnomAD 0.00297; ESP Exome Variant Server 0.00408; gnomAD exomes 0.00466.
gnomAD v4.1: 7,234 of 1,605,114 alleles (0.45%); highest among the groups gnomAD compares: Non-Finnish European, 0.57%; 27 homozygotes.

Submissions (2):

Blueprint Genetics
Classification: Likely benign. Last evaluated: 2024-11-25. Review status: criteria provided, single submitter. Criteria: ACMG Guidelines, 2015. Collection method: clinical testing. Allele origin: germline.

PreventionGenetics, part of Exact Sciences
Classification: Likely benign for DNAH17-related condition. Last evaluated: 2019-02-20. Review status: no assertion criteria provided. Collection method: clinical testing. Allele origin: germline. Not counted in ClinVar's aggregate classification.
Comment: This variant is classified as likely benign based on ACMG/AMP sequence variant interpretation guidelines (Richards et al. 2015 PMID: 25741868, with internal and published modifications).

NM_173628.4(DNAH17):c.1452+10C>T

Gene: DNAH17 (dynein axonemal heavy chain 17; minus strand). Cytogenetic location: 17q25.3.
Variant type: single nucleotide variant.
Coding change: c.1452+10C>T on transcript NM_173628.4 (MANE Select); 10 bases into the intron after coding-DNA position 1452, C replaced by T.
Molecular consequence: intron variant.
Genome position (GRCh38, 1-based): chr17:78,566,989, G>A on the plus strand (C>T on the coding strand, the complement: DNAH17 is on the minus strand). VCF-style: chr17-78566989-G-A. GRCh37 (hg19) VCF-style: chr17-76563071-G-A.
Identifiers: ClinVar variation 3033618 (VCV003033618.3), dbSNP rs116978710, ClinGen allele CA8805173.